The following is an entry in ClinVar:

NM_147127.5(EVC2):c.3161G>T (p.Gly1054Val)

Gene: EVC2 (EvC ciliary complex subunit 2; minus strand). Cytogenetic location: 4p16.2.
Variant type: single nucleotide variant.
Coding change: c.3161G>T on transcript NM_147127.5 (MANE Select); coding-DNA position 3161, G replaced by T.
Protein change: p.Gly1054Val; replaces glycine 1054 with valine.
Molecular consequence: missense variant.
Genome position (GRCh38, 1-based): chr4:5,576,351, C>A on the plus strand (G>T on the coding strand, the complement: EVC2 is on the minus strand). VCF-style: chr4-5576351-C-A. GRCh37 (hg19) VCF-style: chr4-5578078-C-A.
Other names: c.3161G>T (NM_147127.4); c.2921G>T, p.Gly974Val (NM_001166136.2); short protein forms G1054V, G974V.
Identifiers: ClinVar variation 2078836 (VCV002078836.5), dbSNP rs771104241, ClinGen allele CA2834430.

ClinVar aggregate classification (germline): Uncertain significance. Review status: criteria provided, multiple submitters, no conflicts (2 of 4 stars). 2 submissions from 2 submitters: Uncertain significance (2). Last evaluated 2025-02-24.

Conditions:
Inborn genetic diseases. Identifiers: MedGen C0950123, MeSH D030342.
Curry-Hall syndrome (WAD). Also called: WEYERS ACRODENTAL DYSOSTOSIS. Identifiers: Orphanet 952, MedGen C0457013, MONDO:0008673, OMIM 193530.
Ellis-van Creveld syndrome (EVC). Also called: EVC2-Related Ellis-van Creveld Syndrome; EVC-Related Ellis-van Creveld Syndrome; Chondroectodermal dysplasia; MESOECTODERMAL DYSPLASIA. Identifiers: Orphanet 289, MedGen C0013903, MONDO:0009162, OMIM 225500.

Allele frequency attached by ClinVar (database versions not stated): ExAC 0.00001; TOPMed 0.00001; gnomAD exomes 0.00002.

Submissions (2):

Labcorp Genetics (formerly Invitae), Labcorp
Classification: Uncertain significance for Curry-Hall syndrome; Ellis-van Creveld syndrome. Last evaluated: 2025-02-24. Review status: criteria provided, single submitter. Criteria: Invitae Variant Classification Sherloc (09022015). Collection method: clinical testing. Allele origin: germline.
Comment: This sequence change replaces glycine, which is neutral and non-polar, with valine, which is neutral and non-polar, at codon 1054 of the EVC2 protein (p.Gly1054Val). This variant is present in population databases (rs771104241, gnomAD 0.02%). This variant has not been reported in the literature in individuals affected with EVC2-related conditions. ClinVar contains an entry for this variant (Variation ID: 2078836). An algorithm developed to predict the effect of missense changes on protein structure and function (PolyPhen-2) suggests that this variant is likely to be disruptive. In summary, the available evidence is currently insufficient to determine the role of this variant in disease. Therefore, it has been classified as a Variant of Uncertain Significance.

Ambry Genetics
Classification: Uncertain significance for Inborn genetic diseases. Last evaluated: 2023-01-26. Review status: criteria provided, single submitter. Criteria: Ambry Variant Classification Scheme 2023. Collection method: clinical testing. Allele origin: germline.